The following is an entry in ClinVar:

NM_000492.4(CFTR):c.2740T>A (p.Tyr914Asn)

Gene: CFTR (CF transmembrane conductance regulator; plus strand). Cytogenetic location: 7q31.2.
Variant type: single nucleotide variant.
Coding change: c.2740T>A on transcript NM_000492.4 (MANE Select); coding-DNA position 2740, T replaced by A.
Protein change: p.Tyr914Asn; replaces tyrosine 914 with asparagine.
Molecular consequence: missense variant.
Genome position (GRCh38, 1-based): chr7:117,603,614, T>A. VCF-style: chr7-117603614-T-A. GRCh37 (hg19) VCF-style: chr7-117243668-T-A.
Other names: short protein forms Y914N.
Identifiers: ClinVar variation 5034445 (VCV005034445.1).
Genomic context (GRCh38, chr7:117,603,614, plus strand): 5'-AATAGTACTCATAGTAGAAATAACAGCTATGCAGTGATTATCACCAGCACCAGTTCGTAT[T>A]ATGTGTTTTACATTTACGTGGGAGTAGCCGACACTTTGCTTGCTATGGGATTCTTCAGAG-3'
Protein context (NP_000483.3, residues 904-924): AVIITSTSSY[Tyr914Asn]VFYIYVGVAD

ClinVar aggregate classification (germline): Uncertain significance (1 of 4 stars; one submission).

Conditions:
Cystic fibrosis (CF). Also called: MUCOVISCIDOSIS. Identifiers: Orphanet 586, MedGen C0010674, MONDO:0009061, OMIM 219700. Disease mechanism: loss of function.

Submission:

Ambry Genetics
Classification: Uncertain significance for Cystic fibrosis. Last evaluated: 2026-07-22. Review status: criteria provided, single submitter. Criteria: Ambry Variant Classification Scheme 2023. Collection method: clinical testing. Allele origin: germline.
Comment: The p.Y914N variant (also known as c.2740T>A), located in coding exon 17 of the CFTR gene, results from a T to A substitution at nucleotide position 2740. The tyrosine at codon 914 is replaced by asparagine, an amino acid with dissimilar properties. This amino acid position is conserved. In addition, this alteration is predicted to be deleterious by in silico analysis. Based on the available evidence, the clinical significance of this variant remains unclear.